The following is an entry in ClinVar:

ClinVar aggregate classification (germline): Uncertain significance. Review status: criteria provided, multiple submitters, no conflicts (2 of 4 stars). 2 submissions from 2 submitters: Uncertain significance (2). Last evaluated 2024-11-04.

Allele frequency attached by ClinVar (database versions not stated): gnomAD 0.00001; TOPMed 0.00002; gnomAD exomes 0.00001 and below 0.00001.
gnomAD v4.1: 6 of 1,535,646 alleles (0.00039%); highest among the groups gnomAD compares: Admixed American, 0.002%; no homozygotes.

Submissions (2):

Revvity Omics, Revvity
Classification: Uncertain significance. Last evaluated: 2024-11-04. Review status: criteria provided, single submitter. Criteria: ACMG Guidelines, 2015. Collection method: clinical testing. Allele origin: germline.

ARUP Laboratories, Molecular Genetics and Genomics, ARUP Laboratories
Classification: Uncertain significance. Last evaluated: 2021-11-03. Review status: criteria provided, single submitter. Criteria: ARUP Molecular Germline Variant Investigation Process 2021. Collection method: clinical testing. Allele origin: germline.
Comment: The PIEZO1 c.880A>G; p.Thr294Ala variant (rs1228399328), to our knowledge, is not reported in the medical literature or gene specific databases. This variant is only observed on one allele in the Genome Aggregation Database, indicating it is not a common polymorphism. The threonine at codon 294 is weakly conserved and computational analyses predict that this variant is neutral (REVEL: 0.132). Due to limited information, the clinical significance of the p.Thr294Ala variant is uncertain at this time.

NM_001142864.4(PIEZO1):c.880A>G (p.Thr294Ala)

Genes: HSALR1 (HSP90AB1 associated lncRNA 1; plus strand), PIEZO1 (piezo type mechanosensitive ion channel component 1 (Er blood group); minus strand). Cytogenetic location: 16q24.3.
Variant type: single nucleotide variant.
Coding change: c.880A>G on transcript NM_001142864.4 (MANE Select); coding-DNA position 880, A replaced by G.
Protein change: p.Thr294Ala; replaces threonine 294 with alanine.
Molecular consequence: missense variant. On other transcripts: non-coding transcript variant (1).
Genome position (GRCh38, 1-based): chr16:88,738,074, T>C on the plus strand (A>G on the coding strand, the complement: PIEZO1 is on the minus strand). VCF-style: chr16-88738074-T-C. GRCh37 (hg19) VCF-style: chr16-88804482-T-C.
Other names: short protein forms T294A.
Identifiers: ClinVar variation 1330589 (VCV001330589.8), dbSNP rs1228399328, ClinGen allele CA397122823.
Genomic context (GRCh38, chr16:88,738,074, plus strand): 5'-CATACACAGGCCAGTCCAGGCCGGTGTTGAGGACCAGCGCGTGGGGGCTGGAGCAGTTGG[T>C]GGGACCCACGAAGTCCTTGAGACCCAGCACCCTGTCCAGAGAAGACCCGTCACAGCCTAC-3'
Protein context (NP_001136336.2, residues 284-304): VLGLKDFVGP[Thr294Ala]NCSSPHALVL